The following is an entry in ClinVar:

ClinVar aggregate classification (germline): Uncertain significance. Review status: criteria provided, multiple submitters, no conflicts (2 of 4 stars). 2 submissions from 2 submitters: Uncertain significance (2). Last evaluated 2025-05-28.

Conditions:
Inborn genetic diseases. Identifiers: MedGen C0950123, MeSH D030342.

gnomAD v4.1: 11 of 1,613,444 alleles (0.00068%); highest among the groups gnomAD compares: African/African-American, 0.0093%; no homozygotes.

Submissions (2):

Ambry Genetics
Classification: Uncertain significance for Inborn genetic diseases. Last evaluated: 2025-05-28. Review status: criteria provided, single submitter. Criteria: Ambry Variant Classification Scheme 2023. Collection method: clinical testing. Allele origin: germline.

Labcorp Genetics (formerly Invitae), Labcorp
Classification: Uncertain significance. Last evaluated: 2022-06-17. Review status: criteria provided, single submitter. Criteria: Invitae Variant Classification Sherloc (09022015). Collection method: clinical testing. Allele origin: germline.
Comment: This sequence change replaces valine, which is neutral and non-polar, with leucine, which is neutral and non-polar, at codon 1654 of the DOCK6 protein (p.Val1654Leu). This variant is not present in population databases (gnomAD no frequency). This variant has not been reported in the literature in individuals affected with DOCK6-related conditions. Algorithms developed to predict the effect of missense changes on protein structure and function (SIFT, PolyPhen-2, Align-GVGD) all suggest that this variant is likely to be tolerated. In summary, the available evidence is currently insufficient to determine the role of this variant in disease. Therefore, it has been classified as a Variant of Uncertain Significance.

NM_020812.4(DOCK6):c.4960G>C (p.Val1654Leu)

Genes: DOCK6 (dedicator of cytokinesis 6; minus strand), DOCK6-AS1 (DOCK6 antisense RNA 1; plus strand). Cytogenetic location: 19p13.2.
Variant type: single nucleotide variant.
Coding change: c.4960G>C on transcript NM_020812.4 (MANE Select); coding-DNA position 4960, G replaced by C.
Protein change: p.Val1654Leu; replaces valine 1654 with leucine.
Molecular consequence: missense variant.
Genome position (GRCh38, 1-based): chr19:11,208,814, C>G on the plus strand (G>C on the coding strand, the complement: DOCK6 is on the minus strand). VCF-style: chr19-11208814-C-G. GRCh37 (hg19) VCF-style: chr19-11319490-C-G.
Other names: c.5065G>C, p.Val1689Leu (NM_001367830.1); c.4960G>C (NM_020812.2); short protein forms V1654L, V1689L.
Identifiers: ClinVar variation 2428388 (VCV002428388.5), dbSNP rs772437948, ClinGen allele CA404077149.